The following is an entry in ClinVar:

NM_000548.5(TSC2):c.4478C>T (p.Pro1493Leu)

Gene: TSC2 (TSC complex subunit 2; plus strand). Cytogenetic location: 16p13.3.
Variant type: single nucleotide variant.
Coding change: c.4478C>T on transcript NM_000548.5 (MANE Select); coding-DNA position 4478, C replaced by T.
Protein change: p.Pro1493Leu; replaces proline 1493 with leucine.
Molecular consequence: missense variant.
Genome position (GRCh38, 1-based): chr16:2,084,700, C>T. VCF-style: chr16-2084700-C-T. GRCh37 (hg19) VCF-style: chr16-2134701-C-T.
Other names: c.4277C>T, p.Pro1426Leu (NM_001077183.3); c.4409C>T, p.Pro1470Leu (NM_001114382.3); c.4169C>T, p.Pro1390Leu (NM_001318827.2); c.4133C>T, p.Pro1378Leu (NM_001318829.2); c.3746C>T, p.Pro1249Leu (NM_001318831.2); c.4310C>T, p.Pro1437Leu (NM_001318832.2); c.4280C>T, p.Pro1427Leu (NM_001363528.2); c.4346C>T, p.Pro1449Leu (NM_001370404.1); and 2 more; short protein forms P1249L, P1378L, P1390L, P1426L, P1427L, P1437L, P1449L, P1450L.
Identifiers: ClinVar variation 1056336 (VCV001056336.11), dbSNP rs2090543900, ClinGen allele CA394302555.

ClinVar aggregate classification (germline): Uncertain significance. Review status: criteria provided, multiple submitters, no conflicts (2 of 4 stars). 3 submissions from 3 submitters: Uncertain significance (3). Last evaluated 2025-08-12.

Conditions:
Hereditary cancer-predisposing syndrome. Also called: Hereditary Cancer Syndrome; Tumor predisposition; Hereditary neoplastic syndrome; Neoplastic Syndromes, Hereditary. Identifiers: Orphanet 140162, MedGen C0027672, MeSH D009386, MONDO:0015356.
Tuberous sclerosis 2 (TSC2). Identifiers: Orphanet 805, MedGen C1860707, MONDO:0013199, OMIM 613254.
Isolated focal cortical dysplasia type II (FCORD2). Also called: CORTICAL DYSPLASIA OF TAYLOR; Focal cortical dysplasia type II. Identifiers: Orphanet 268994, MedGen C1846385, MONDO:0011818, OMIM 607341, HP:0032051.

Submissions (3):

Ambry Genetics
Classification: Uncertain significance for Hereditary cancer-predisposing syndrome. Last evaluated: 2025-08-12. Review status: criteria provided, single submitter. Criteria: Ambry Variant Classification Scheme 2023. Collection method: clinical testing. Allele origin: germline.
Comment: The p.P1493L variant (also known as c.4478C>T), located in coding exon 33 of the TSC2 gene, results from a C to T substitution at nucleotide position 4478. The proline at codon 1493 is replaced by leucine, an amino acid with similar properties. This amino acid position is well conserved in available vertebrate species. In addition, this alteration is predicted to be deleterious by in silico analysis. Based on the available evidence, the clinical significance of this variant remains unclear.

Labcorp Genetics (formerly Invitae), Labcorp
Classification: Uncertain significance for Tuberous sclerosis 2. Last evaluated: 2025-08-02. Review status: criteria provided, single submitter. Criteria: Invitae Variant Classification Sherloc (09022015). Collection method: clinical testing. Allele origin: germline.
Comment: This sequence change replaces proline, which is neutral and non-polar, with leucine, which is neutral and non-polar, at codon 1493 of the TSC2 protein (p.Pro1493Leu). This variant is not present in population databases (gnomAD no frequency). This variant has not been reported in the literature in individuals affected with TSC2-related conditions. ClinVar contains an entry for this variant (Variation ID: 1056336). Invitae Evidence Modeling of protein sequence and biophysical properties (such as structural, functional, and spatial information, amino acid conservation, physicochemical variation, residue mobility, and thermodynamic stability) indicates that this missense variant is not expected to disrupt TSC2 protein function with a negative predictive value of 95%. In summary, the available evidence is currently insufficient to determine the role of this variant in disease. Therefore, it has been classified as a Variant of Uncertain Significance.

Baylor Genetics
Classification: Uncertain significance for Isolated focal cortical dysplasia type II. Last evaluated: 2023-12-29. Review status: criteria provided, single submitter. Criteria: ACMG Guidelines, 2015. Collection method: clinical testing. Allele origin: unknown.